The following is an entry in ClinVar:

NM_000944.5(PPP3CA):c.168G>A (p.Leu56=)

Gene: PPP3CA (protein phosphatase 3 catalytic subunit alpha; minus strand). Cytogenetic location: 4q24.
Variant type: single nucleotide variant.
Coding change: c.168G>A on transcript NM_000944.5 (MANE Select); coding-DNA position 168, G replaced by A.
Protein change: p.Leu56=; no amino-acid change (leucine 56 retained).
Molecular consequence: synonymous variant.
Genome position (GRCh38, 1-based): chr4:101,196,007, C>T on the plus strand (G>A on the coding strand, the complement: PPP3CA is on the minus strand). VCF-style: chr4-101196007-C-T. GRCh37 (hg19) VCF-style: chr4-102117164-C-T.
Other names: c.168G>A, p.Leu56= (NM_001130691.2, NM_001130692.2); c.168G>A (NM_000944.4).
Identifiers: ClinVar variation 1588704 (VCV001588704.9), dbSNP rs74629169, ClinGen allele CA440386666.

ClinVar aggregate classification (germline): Likely benign. Review status: criteria provided, multiple submitters, no conflicts (2 of 4 stars). 2 submissions from 2 submitters: Likely benign (2). Last evaluated 2024-12-08.

Conditions:
PPP3CA-related disorder. Also called: PPP3CA-related condition; PPP3CA-related disorders.

Allele frequency attached by ClinVar (database versions not stated): TOPMed below 0.00001; gnomAD 0.00001.
gnomAD v4.1: 2 of 1,614,010 alleles (0.00012%); highest among the groups gnomAD compares: Non-Finnish European, 0.00017%; no homozygotes.

Submissions (2):

PreventionGenetics, part of Exact Sciences
Classification: Likely benign for PPP3CA-related condition. Last evaluated: 2024-12-08. Review status: criteria provided, single submitter. Criteria: ACMG Guidelines, 2015. Collection method: clinical testing. Allele origin: germline.
Comment: This variant is classified as likely benign based on ACMG/AMP sequence variant interpretation guidelines (Richards et al. 2015 PMID: 25741868, with internal and published modifications).

Labcorp Genetics (formerly Invitae), Labcorp
Classification: Likely benign. Last evaluated: 2024-03-06. Review status: criteria provided, single submitter. Criteria: Invitae Variant Classification Sherloc (09022015). Collection method: clinical testing. Allele origin: germline.